The following is an entry in ClinVar:

NM_006904.7(PRKDC):c.5960G>A (p.Arg1987His)

Gene: PRKDC (protein kinase, DNA-activated, catalytic subunit; minus strand). Cytogenetic location: 8q11.21.
Variant type: single nucleotide variant.
Coding change: c.5960G>A on transcript NM_006904.7 (MANE Select); coding-DNA position 5960, G replaced by A.
Protein change: p.Arg1987His; replaces arginine 1987 with histidine.
Molecular consequence: missense variant.
Genome position (GRCh38, 1-based): chr8:47,862,087, C>T on the plus strand (G>A on the coding strand, the complement: PRKDC is on the minus strand). VCF-style: chr8-47862087-C-T. GRCh37 (hg19) VCF-style: chr8-48774648-C-T.
Other names: c.5960G>A, p.Arg1987His (NM_001081640.2); short protein forms R1987H.
Identifiers: ClinVar variation 451912 (VCV000451912.9), dbSNP rs551812114, ClinGen allele CA4740528.

ClinVar aggregate classification (germline): Conflicting classifications of pathogenicity. Review status: criteria provided, conflicting classifications (1 of 4 stars). 3 submissions from 3 submitters: Uncertain significance (2); Likely benign (1). Last evaluated 2022-08-21.

Conditions:
Severe combined immunodeficiency due to DNA-PKcs deficiency. Also called: IMMUNODEFICIENCY 26 WITH NEUROLOGIC ABNORMALITIES; Immunodeficiency 26 with or without neurologic abnormalities. Identifiers: Orphanet 317425, MedGen C4014833, MONDO:0014423, OMIM 615966.

Allele frequency attached by ClinVar (database versions not stated): gnomAD below 0.00001 and 0.00001; gnomAD exomes 0.00002 and 0.00005; TOPMed 0.00002; ExAC 0.00004; 1000 Genomes Project 0.00020; 1000 Genomes Project 30x 0.00031.
gnomAD v4.1: 24 of 1,552,598 alleles (0.0015%); highest among the groups gnomAD compares: South Asian, 0.018%; no homozygotes.

Submissions (3):

Labcorp Genetics (formerly Invitae), Labcorp
Classification: Uncertain significance for Severe combined immunodeficiency due to DNA-PKcs deficiency. Last evaluated: 2022-08-21. Review status: criteria provided, single submitter. Criteria: Invitae Variant Classification Sherloc (09022015). Collection method: clinical testing. Allele origin: germline.
Comment: This sequence change replaces arginine, which is basic and polar, with histidine, which is basic and polar, at codon 1987 of the PRKDC protein (p.Arg1987His). ClinVar contains an entry for this variant (Variation ID: 451912). In summary, the available evidence is currently insufficient to determine the role of this variant in disease. Therefore, it has been classified as a Variant of Uncertain Significance. Experimental studies and prediction algorithms are not available or were not evaluated, and the functional significance of this variant is currently unknown. This variant has not been reported in the literature in individuals affected with PRKDC-related conditions. The frequency data for this variant in the population databases is considered unreliable, as metrics indicate poor data quality at this position in the gnomAD database.

Blueprint Genetics
Classification: Likely benign. Last evaluated: 2022-01-26. Review status: criteria provided, single submitter. Criteria: ACMG Guidelines, 2015. Collection method: clinical testing. Allele origin: germline.

GeneDx
Classification: Uncertain significance. Last evaluated: 2018-10-10. Review status: criteria provided, single submitter. Criteria: GeneDx Variant Classification (06012015). Collection method: clinical testing. Allele origin: germline. Affected: yes.
Comment: The R1987H variant in the PRKDC gene has not been reported previously as a pathogenic variant, nor as a benign variant, to our knowledge. The R1987H variant is not observed at a significant frequency in large population cohorts (Lek et al., 2016; 1000 Genomes Consortium et al., 2015; Exome Variant Server). The R1987H variant is a conservative amino acid substitution, which occurs at a position that is not conserved. In silico analysis is inconsistent in its predictions as to whether or not the variant is damaging to the protein structure/function. We interpret R1987H as a variant of uncertain significance.